The following is an entry in ClinVar:

ClinVar aggregate classification (germline): Likely benign (0 of 4 stars; one submission).

Conditions:
UBE3B-related disorder. Also called: UBE3B-related condition.

Allele frequency attached by ClinVar (database versions not stated): gnomAD exomes below 0.00001; gnomAD 0.00001; TOPMed 0.00001.

Submission:

PreventionGenetics, part of Exact Sciences
Classification: Likely benign for UBE3B-related condition. Last evaluated: 2019-07-13. Review status: no assertion criteria provided. Collection method: clinical testing. Allele origin: germline.
Comment: This variant is classified as likely benign based on ACMG/AMP sequence variant interpretation guidelines (Richards et al. 2015 PMID: 25741868, with internal and published modifications).

NM_130466.4(UBE3B):c.2502+9G>A

Gene: UBE3B (ubiquitin protein ligase E3B; plus strand). Cytogenetic location: 12q24.11.
Variant type: single nucleotide variant.
Coding change: c.2502+9G>A on transcript NM_130466.4 (MANE Select); 9 bases into the intron after coding-DNA position 2502, G replaced by A.
Molecular consequence: intron variant.
Genome position (GRCh38, 1-based): chr12:109,524,124, G>A. VCF-style: chr12-109524124-G-A. GRCh37 (hg19) VCF-style: chr12-109961929-G-A.
Other names: c.2502+9G>A (NM_183415.3).
Identifiers: ClinVar variation 3049427 (VCV003049427.2), dbSNP rs1373370471, ClinGen allele CA683459173.